The following is an entry in ClinVar:

NM_003690.5(PRKRA):c.74A>G (p.Lys25Arg)

Gene: PRKRA (protein activator of interferon induced protein kinase EIF2AK2; minus strand). Cytogenetic location: 2q31.2.
Variant type: single nucleotide variant.
Coding change: c.74A>G on transcript NM_003690.5 (MANE Select); coding-DNA position 74, A replaced by G.
Protein change: p.Lys25Arg; replaces lysine 25 with arginine.
Molecular consequence: missense variant. On other transcripts: 5 prime UTR variant (1).
Genome position (GRCh38, 1-based): chr2:178,450,403, T>C on the plus strand (A>G on the coding strand, the complement: PRKRA is on the minus strand). VCF-style: chr2-178450403-T-C. GRCh37 (hg19) VCF-style: chr2-179315130-T-C.
Other names: c.41A>G, p.Lys14Arg (NM_001139517.2); c.-2A>G (NM_001139518.2); c.-376A>G (NM_001316362.2); short protein forms K14R, K25R.
Identifiers: ClinVar variation 3772677 (VCV003772677.2).

ClinVar aggregate classification (germline): Likely pathogenic (0 of 4 stars; one submission).

Conditions:
Dystonia 16 (DYT16). Also called: DYT-PRKRA. Identifiers: Orphanet 210571, MedGen C2677567, MONDO:0012789, OMIM 612067.

Submission:

Medical Genetics Laboratory, AJA University of Medical Sciences
Classification: Likely pathogenic for Dystonia 16. Last evaluated: 2024-06-12. Review status: no assertion criteria provided. Collection method: clinical testing. Allele origin: germline. Inheritance: Autosomal recessive inheritance. Affected: yes. Observed: 1 homozygote.
Comment: The NM_003690.5(PRKRA): c.74A>G (p.Lys25Arg) variant results in a missense change. This variant was absent in control chromosomes in the gnomAD database (PM2). Familial studies indicate that the variant segregates with the disease (PP1).